The following is an entry in ClinVar:

NM_001330288.2(SMARCC2):c.3212T>A (p.Val1071Asp)

Gene: SMARCC2 (SWI/SNF related BAF chromatin remodeling complex subunit C2; minus strand). Cytogenetic location: 12q13.2.
Variant type: single nucleotide variant.
Coding change: c.3212T>A on transcript NM_001330288.2 (MANE Select); coding-DNA position 3212, T replaced by A.
Protein change: p.Val1071Asp; replaces valine 1071 with aspartic acid.
Molecular consequence: missense variant.
Genome position (GRCh38, 1-based): chr12:56,165,338, A>T on the plus strand (T>A on the coding strand, the complement: SMARCC2 is on the minus strand). VCF-style: chr12-56165338-A-T. GRCh37 (hg19) VCF-style: chr12-56559122-A-T.
Other names: c.3212T>A, p.Val1071Asp (NM_001130420.3, NM_139067.4); c.3119T>A, p.Val1040Asp (NM_003075.5); short protein forms V1040D, V1071D.
Identifiers: ClinVar variation 4879512 (VCV004879512.1).

ClinVar aggregate classification (germline): Uncertain significance (1 of 4 stars; one submission).

Conditions:
Coffin-Siris syndrome 8. Identifiers: MedGen C5193054, MONDO:0032702, OMIM 618362.

gnomAD v4.1: 23 of 1,485,036 alleles (0.0015%); highest among the groups gnomAD compares: Non-Finnish European, 0.002%; no homozygotes.

Submission:

Clinical Genomics Laboratory, Washington University in St. Louis
Classification: Uncertain significance for Coffin-Siris syndrome 8. Last evaluated: 2026-04-01. Review status: criteria provided, single submitter. Criteria: ACMG Guidelines, 2015. Collection method: clinical testing. Allele origin: germline.
Comment: The SMARCC2 c.3212T>A (p.Val1071Asp) variant, to our knowledge, has not been reported in the medical literature and is only observed on 23/1,485,036 alleles in the general population (gnomAD v4.1.0), indicating it is not a common variant. Computational predictors suggest that the variant does not impact SMARCC2 function. Due to limited information, and based on ACMG/AMP guidelines for variant interpretation (Richards S et al., PMID: 25741868), the clinical significance of this variant is uncertain at this time.